The following is an entry in ClinVar:

NM_000051.4(ATM):c.6101G>A (p.Arg2034Gln)

Genes: ATM (ATM serine/threonine kinase; plus strand), C11orf65 (chromosome 11 open reading frame 65; minus strand). Cytogenetic location: 11q22.3.
Variant type: single nucleotide variant.
Coding change: c.6101G>A on transcript NM_000051.4 (MANE Select); coding-DNA position 6101, G replaced by A.
Protein change: p.Arg2034Gln; replaces arginine 2034 with glutamine.
Molecular consequence: missense variant. On other transcripts: intron variant (2).
Genome position (GRCh38, 1-based): chr11:108,316,016, G>A. VCF-style: chr11-108316016-G-A. GRCh37 (hg19) VCF-style: chr11-108186743-G-A.
Other names: p.R2034Q:CGA>CAA; c.6101G>A, p.Arg2034Gln (NM_001351834.2); c.641-6945C>T (NM_001330368.2); c.*39-6945C>T (NM_001351110.2); short protein forms R2034Q.
Identifiers: ClinVar variation 127418 (VCV000127418.34), dbSNP rs3218670, ClinGen allele CA286919.

ClinVar aggregate classification (germline): Conflicting classifications of pathogenicity. Review status: criteria provided, conflicting classifications (1 of 4 stars). 11 submissions from 11 submitters: Uncertain significance (4); Likely benign (6). 1 of the submissions does not count toward it. Last evaluated 2026-01-25.

Conditions:
ATM-related disorder. Also called: ATM-related disorders; ATM-related condition.
Hereditary cancer-predisposing syndrome. Also called: Neoplastic Syndromes, Hereditary; Hereditary Cancer Syndrome; Tumor predisposition; Hereditary neoplastic syndrome. Identifiers: Orphanet 140162, MedGen C0027672, MeSH D009386, MONDO:0015356.
Familial cancer of breast. Also called: BREAST CANCER, FAMILIAL; hereditary breast carcinoma; Hereditary breast cancer. Identifiers: Orphanet 227535, MedGen C0346153, MONDO:0016419, OMIM 114480. Disease mechanism: loss of function.
Malignant tumor of breast. Also called: Malignant breast neoplasm; Cancer breast. Identifiers: MedGen C0006142, MONDO:0007254. Disease mechanism: loss of function.
Ataxia-telangiectasia syndrome (AT). Also called: Ataxia-telangiectasia, complementation group D; AT, COMPLEMENTATION GROUP C; Ataxia-telangiectasia; ATAXIA-TELANGIECTASIA, COMPLEMENTATION GROUP A; ATAXIA-TELANGIECTASIA, FRESNO VARIANT; Ataxia-telangiectasia, complementation group E. Identifiers: Orphanet 100, MedGen C0004135, MONDO:0008840, OMIM 208900.

Allele frequency attached by ClinVar (database versions not stated): TOPMed 0.00005; gnomAD 0.00006 and 0.00004; 1000 Genomes Project 0.00080; gnomAD exomes 0.00014; 1000 Genomes Project 30x 0.00078; ExAC 0.00014.
gnomAD v4.1: 110 of 1,614,020 alleles (0.0068%); highest among the groups gnomAD compares: South Asian, 0.067%; no homozygotes.

Submissions (11):

Labcorp Genetics (formerly Invitae), Labcorp
Classification: Likely benign for Ataxia-telangiectasia syndrome. Last evaluated: 2026-01-25. Review status: criteria provided, single submitter. Criteria: Invitae Variant Classification Sherloc (09022015). Collection method: clinical testing. Allele origin: germline.

Women's Health and Genetics/Laboratory Corporation of America, LabCorp
Classification: Uncertain significance. Last evaluated: 2025-12-26. Review status: criteria provided, single submitter. Criteria: LabCorp Variant Classification Summary - May 2015. Collection method: clinical testing. Allele origin: germline.
Comment: Variant summary: ATM c.6101G>A (p.Arg2034Gln) results in a conservative amino acid change in the encoded protein sequence. Algorithms developed to predict the effect of missense changes on protein structure and function are either unavailable or do not agree on the potential impact of this missense change. The variant allele was found at a frequency of 0.00014 in 251356 control chromosomes. This frequency is not significantly higher than estimated for disease-causing variants in ATM, allowing no conclusion about variant significance. c.6101G>A has been observed in studies on familial cancer syndrome or Biliary tract cancer or in individuals affected with colorectal cancer without convincing evidence for causality (Momozawa_2018, Bhai_2021, Okawa_2023, Lee_2024). These report(s) do not provide unequivocal conclusions about association of the variant with Ataxia-telangiectasia syndrome. At least one publication reports experimental evidence evaluating an impact on protein function and the results showed no damaging effect of this variant (Hanenberg_2025). The following publications have been ascertained in the context of this evaluation (PMID: 34326862, 40105422, 38522067, 30287823, 36243179). ClinVar contains an entry for this variant (Variation ID: 127418). Based on the evidence outlined above, the variant was classified as uncertain significance.

Center for Genomic Medicine, Rigshospitalet, Copenhagen University Hospital
Classification: Likely benign. Last evaluated: 2025-03-04. Review status: criteria provided, single submitter. Criteria: ACMG Guidelines, 2015. Collection method: clinical testing. Allele origin: germline.

PreventionGenetics, part of Exact Sciences
Classification: Likely benign for ATM-related condition. Last evaluated: 2024-11-30. Review status: criteria provided, single submitter. Criteria: ACMG Guidelines, 2015. Collection method: clinical testing. Allele origin: germline.
Comment: This variant is classified as likely benign based on ACMG/AMP sequence variant interpretation guidelines (Richards et al. 2015 PMID: 25741868, with internal and published modifications).

Myriad Genetics, Inc.
Classification: Likely benign for Familial cancer of breast. Last evaluated: 2023-02-09. Review status: criteria provided, single submitter. Criteria: Myriad Autosomal Dominant, Autosomal Recessive and X-Linked Classification Criteria (2023). Collection method: clinical testing. Allele origin: unknown.
Comment: This variant is considered likely benign. This variant is strongly associated with less severe personal and family histories of cancer, typical for individuals without pathogenic variants in this gene [PMID: 25085752].

Ambry Genetics
Classification: Likely benign for Hereditary cancer-predisposing syndrome. Last evaluated: 2023-01-03. Review status: criteria provided, single submitter. Criteria: Ambry Variant Classification Scheme 2023. Collection method: clinical testing. Allele origin: germline.

GeneDx
Classification: Uncertain significance. Last evaluated: 2022-07-07. Review status: criteria provided, single submitter. Criteria: GeneDx Variant Classification Process June 2021. Collection method: clinical testing. Allele origin: germline. Affected: yes.
Comment: In silico analysis supports that this missense variant does not alter protein structure/function; This variant is associated with the following publications: (PMID: 19781682, 33471991, 23532176, 33941849, 22529920, 24359602, 30287823, 28779002, 30150316, 28256603, 26580448, 29706348, 32068069, 32980694)

MGZ Medical Genetics Center
Classification: Uncertain significance for Familial cancer of breast. Last evaluated: 2021-11-30. Review status: criteria provided, single submitter. Criteria: ACMG Guidelines, 2015. Collection method: clinical testing. Allele origin: germline. Affected: yes. Observed: 1 variant allele.
Comment: ACMG criteria applied: BP4

Sema4
Classification: Uncertain significance for Hereditary cancer-predisposing syndrome. Last evaluated: 2021-09-08. Review status: criteria provided, single submitter. Criteria: Sema4 Curation Guidelines. Collection method: curation. Allele origin: germline.
Comment: The ATM c.6101G>A (p.R2034Q) variant has been reported in multiple individuals with breast or ovarian cancer and in a pediatric patient with medulloblastoma (PMID: 33471991, 28779002, 32068069, 26580448). However, it has also been reported in healthy controls (PMID: 33471991, 30287823, 19781682, 32980694). It was observed in 16/19918 chromosomes of the East Asian subpopulation, with no homozygotes, in the large and broad cohorts of the Genome Aggregation Database (PMID: 32461654). The variant has been reported in ClinVar (Variation ID: 127418). Functional studies have not been performed, and in silico predictions of the variant's effect on protein function are inconclusive. The evidence is insufficient to meet ACMG/AMP criteria for classifying the variant as benign or pathogenic. Thus, the clinical significance of this variant is currently uncertain.

Color Diagnostics, LLC DBA Color Health
Classification: Likely benign for Hereditary cancer-predisposing syndrome. Last evaluated: 2020-06-24. Review status: criteria provided, single submitter. Criteria: ACMG Guidelines, 2015. Collection method: clinical testing. Allele origin: germline.

Department of Pathology and Laboratory Medicine, Sinai Health System
Classification: Uncertain significance for Malignant tumor of breast. Review status: no assertion criteria provided. Collection method: clinical testing. Allele origin: unknown. Affected: yes. Observed: 2 variant alleles. Study: The Canadian Open Genetics Repository (COGR). Not counted in ClinVar's aggregate classification.
Comment: The ATM p.Arg2034Gln variant was identified in the literature in a pooled case control study of 8224 breast cases and 4798 control cases and was identified in 1 control case (Tavtigian 2009). The variant was identified in the following databases: dbSNP (ID: rs3218670) as â€šÃ„ÃºWith Uncertain significance alleleâ€šÃ„Ã¹, in ClinVar (classified as uncertain significance by GeneDx, Ambry Genetics, Invitae and Color Genomics Inc.), Clinvitae (3x), and was not identified in the COGR, Cosmic, MutDB, LOVD 3.0. The variant was also identified in control databases in 37 of 277100 chromosomes at a frequency of 0.0001 (Genome Aggregation Database Feb 27, 2017). It was observed in the following populations: African in 1 of 24028 chromosomes (freq: 0.00004), Latino in 1 of 34410 chromosomes (freq: 0.00003), European Non-Finnish in 3 of 126644 chromosomes (freq: 0.00002), East Asian in 14 of 18836 chromosomes (freq: 0.0007), Finnish in 1 of 25794 chromosomes (freq: 0.00004), and South Asian in 17 of 30776 chromosomes (freq: 0.0006); it was not observed in the Other and Ashkenazi Jewish populations. The p.Arg2034 residue is conserved in mammals and computational analyses (PolyPhen-2, SIFT, AlignGVGD, BLOSUM, MutationTaster) provide inconsistent predictions regarding the Gln variant impact to the protein; this information is not very predictive of pathogenicity. The variant occurs outside of the splicing consensus sequence and in silico or computational prediction software programs (SpliceSiteFinder, MaxEntScan, NNSPLICE, GeneSplicer, HumanSpliceFinder) do not predict a difference in splicing. In summary, based on the above information the clinical significance of this variant cannot be determined with certainty at this time. This variant is classified as a variant of uncertain significance.

Literature cited by the submitters: PubMed 30287823 (cited by 3 submitters); PubMed 36243179 (cited by Women's Health and Genetics/Laboratory Corporation of America, LabCorp); PubMed 34326862 (cited by Women's Health and Genetics/Laboratory Corporation of America, LabCorp); PubMed 38522067 (cited by Women's Health and Genetics/Laboratory Corporation of America, LabCorp); PubMed 40105422 (cited by Women's Health and Genetics/Laboratory Corporation of America, LabCorp); PubMed 25085752 (cited by Myriad Genetics, Inc.); PubMed 19781682 (cited by Ambry Genetics and Sema4); PubMed 26580448 (cited by Ambry Genetics and Sema4); PubMed 28779002 (cited by Ambry Genetics and Sema4); PubMed 33471991 (cited by Sema4); PubMed 32068069 (cited by Sema4); PubMed 32980694 (cited by Sema4).